The following is an entry in ClinVar:

ClinVar aggregate classification (germline): Uncertain significance (1 of 4 stars; one submission).

Conditions:
Chuvash polycythemia. Also called: POLYCYTHEMIA, VHL-DEPENDENT. Identifiers: Orphanet 238557, MedGen C1837915, MONDO:0009892, OMIM 263400.
Von Hippel-Lindau syndrome (VHLS). Also called: von Hippel–Lindau syndrome; VHL syndrome; Von Hippel-Lindau. Identifiers: Orphanet 892, MedGen C0019562, MONDO:0008667, OMIM 193300. Disease mechanism: loss of function.

Submission:

Labcorp Genetics (formerly Invitae), Labcorp
Classification: Uncertain significance for Von Hippel-Lindau syndrome; Chuvash polycythemia. Last evaluated: 2025-03-22. Review status: criteria provided, single submitter. Criteria: Invitae Variant Classification Sherloc (09022015). Collection method: clinical testing. Allele origin: germline.
Comment: This sequence change falls in intron 1 of the VHL gene. It is not expected to change the encoded amino acid sequence of the VHL protein. However, this sequence change falls within a cryptic exon in the VHL gene, known as exon E1’, which is naturally expressed at low levels in several human tissues (PMID: 29891534). This variant is not present in population databases (gnomAD no frequency). This variant has not been reported in the literature in individuals affected with VHL-related conditions. Algorithms developed to predict the effect of sequence changes on RNA splicing suggest that this variant is not likely to affect RNA splicing. In summary, the available evidence is currently insufficient to determine the role of this variant in disease. Therefore, it has been classified as a Variant of Uncertain Significance.

Literature cited by the submitters: PubMed 29891534.

NM_000551.4(VHL):c.340+768T>C

Genes: VHL (von Hippel-Lindau tumor suppressor; plus strand), LOC107303340 (3p25 von Hippel-Lindau tumor suppressor, E3 ubiquitin protein ligase Alu-mediated recombination region; plus strand). Cytogenetic location: 3p25.3.
Variant type: single nucleotide variant.
Coding change: c.340+768T>C on transcript NM_000551.4 (MANE Select); 768 bases into the intron after coding-DNA position 340, T replaced by C.
Molecular consequence: intron variant. On other transcripts: missense variant (1), non-coding transcript variant (1).
Genome position (GRCh38, 1-based): chr3:10,142,955, T>C. VCF-style: chr3-10142955-T-C. GRCh37 (hg19) VCF-style: chr3-10184639-T-C.
Other names: c.533T>C, p.Val178Ala (NM_001354723.2); c.340+768T>C (NM_198156.3); short protein forms V178A.
Identifiers: ClinVar variation 4792062 (VCV004792062.1).